The following is an entry in ClinVar:

NM_000350.3(ABCA4):c.2126C>T (p.Ser709Leu)

Gene: ABCA4 (ATP binding cassette subfamily A member 4; minus strand). Cytogenetic location: 1p22.1.
Variant type: single nucleotide variant.
Coding change: c.2126C>T on transcript NM_000350.3 (MANE Select); coding-DNA position 2126, C replaced by T.
Protein change: p.Ser709Leu; replaces serine 709 with leucine.
Molecular consequence: missense variant.
Genome position (GRCh38, 1-based): chr1:94,060,571, G>A on the plus strand (C>T on the coding strand, the complement: ABCA4 is on the minus strand). VCF-style: chr1-94060571-G-A. GRCh37 (hg19) VCF-style: chr1-94526127-G-A.
Other names: c.2126C>T, p.Ser709Leu (NM_001425324.1); short protein forms S709L.
Identifiers: ClinVar variation 866280 (VCV000866280.11), dbSNP rs374152623, ClinGen allele CA958348.

ClinVar aggregate classification (germline): Uncertain significance. Review status: criteria provided, multiple submitters, no conflicts (2 of 4 stars). 3 submissions from 3 submitters: Uncertain significance (3). Last evaluated 2025-04-03.

Conditions:
Inborn genetic diseases. Identifiers: MedGen C0950123, MeSH D030342.

Allele frequency attached by ClinVar (database versions not stated): gnomAD exomes below 0.00001; ExAC 0.00002; gnomAD 0.00002; TOPMed 0.00002; ESP Exome Variant Server 0.00008.
gnomAD v4.1: 11 of 1,614,010 alleles (0.00068%); highest among the groups gnomAD compares: African/African-American, 0.0067%; no homozygotes.

Submissions (3):

Ambry Genetics
Classification: Uncertain significance for Inborn genetic diseases. Last evaluated: 2025-04-03. Review status: criteria provided, single submitter. Criteria: Ambry Variant Classification Scheme 2023. Collection method: clinical testing. Allele origin: germline.

Labcorp Genetics (formerly Invitae), Labcorp
Classification: Uncertain significance. Last evaluated: 2023-12-18. Review status: criteria provided, single submitter. Criteria: Invitae Variant Classification Sherloc (09022015). Collection method: clinical testing. Allele origin: germline.
Comment: This sequence change replaces serine, which is neutral and polar, with leucine, which is neutral and non-polar, at codon 709 of the ABCA4 protein (p.Ser709Leu). This variant is present in population databases (rs374152623, gnomAD 0.008%). This variant has not been reported in the literature in individuals affected with ABCA4-related conditions. ClinVar contains an entry for this variant (Variation ID: 866280). Advanced modeling of protein sequence and biophysical properties (such as structural, functional, and spatial information, amino acid conservation, physicochemical variation, residue mobility, and thermodynamic stability) performed at Invitae indicates that this missense variant is not expected to disrupt ABCA4 protein function with a negative predictive value of 95%. In summary, the available evidence is currently insufficient to determine the role of this variant in disease. Therefore, it has been classified as a Variant of Uncertain Significance.

Blueprint Genetics
Classification: Uncertain significance. Last evaluated: 2023-09-20. Review status: criteria provided, single submitter. Criteria: ACMG Guidelines, 2015. Collection method: clinical testing. Allele origin: germline.